The following is an entry in ClinVar:

NM_000391.4(TPP1):c.1131del (p.Phe378fs)

Gene: TPP1 (tripeptidyl peptidase 1; minus strand). Cytogenetic location: 11p15.4.
Variant type: Deletion.
Coding change: c.1131del on transcript NM_000391.4 (MANE Select); coding-DNA position 1131, one base deleted (C; older notation c.1131delC).
Protein change: p.Phe378fs; shifts the reading frame from phenylalanine 378.
Molecular consequence: frameshift variant.
Genome position (GRCh38, 1-based): chr11:6,616,019, G deleted on the plus strand (C on the coding strand, the reverse complement: TPP1 is on the minus strand); the first of 2 consecutive G bases (chr11:6,616,019-6,616,020); deleting either gives the same sequence. VCF-style (leftmost placement, unchanged base first): chr11-6616018-AG-A. GRCh37 (hg19) VCF-style: chr11-6637249-AG-A.
Other names: short protein forms F378fs.
Identifiers: ClinVar variation 5016164 (VCV005016164.1).

ClinVar aggregate classification (germline): Pathogenic (1 of 4 stars; one submission).

Conditions:
Neuronal ceroid lipofuscinosis 2. Also called: TPP1-Related Neuronal Ceroid-Lipofuscinosis; JANSKY-BIELSCHOWSKY DISEASE NEURONAL CEROID LIPOFUSCINOSIS, LATE INFANTILE. Identifiers: Orphanet 168491, Orphanet 228349, Orphanet 79264, MedGen C1876161, MONDO:0008769, OMIM 204500.

Submission:

Myriad Genetics, Inc.
Classification: Pathogenic for Neuronal ceroid lipofuscinosis 2. Last evaluated: 2026-07-28. Review status: criteria provided, single submitter. Criteria: Myriad Autosomal Dominant, Autosomal Recessive and X-Linked Classification Criteria (2023). Collection method: clinical testing. Allele origin: unknown.
Comment: NM_000391.3(TPP1):c.1131delC(F378Sfs*49) is expected to be pathogenic in the context of TPP1-related neuronal ceroid lipofuscinosis. This variant is predicted to lead to an abnormal or absent protein product due to the creation of a premature termination codon in TPP1, a gene where loss-of-function variants are known to be pathogenic. Please note: this variant was assessed in the context of healthy population screening.